The following is an entry in ClinVar:

ClinVar aggregate classification (germline): Uncertain significance (1 of 4 stars; one submission).

Allele frequency attached by ClinVar (database versions not stated): gnomAD exomes below 0.00001.
gnomAD v4.1: 1 of 1,211,287 alleles (0.000083%); highest among the groups gnomAD compares: African/African-American, 0.0017%; no homozygotes.

Submission:

GeneDx
Classification: Uncertain significance. Last evaluated: 2025-06-13. Review status: criteria provided, single submitter. Criteria: GeneDx Variant Classification Process June 2021. Collection method: clinical testing. Allele origin: germline. Affected: yes.
Comment: Not observed at significant frequency in large population cohorts (gnomAD); In silico analysis supports that this missense variant has a deleterious effect on protein structure/function; Has not been previously published as pathogenic or benign to our knowledge

NM_004463.3(FGD1):c.1426C>T (p.Arg476Trp)

Gene: FGD1 (FYVE, RhoGEF and PH domain containing 1; minus strand). Cytogenetic location: Xp11.22.
Variant type: single nucleotide variant.
Coding change: c.1426C>T on transcript NM_004463.3 (MANE Select); coding-DNA position 1426, C replaced by T.
Protein change: p.Arg476Trp; replaces arginine 476 with tryptophan.
Molecular consequence: missense variant.
Genome position (GRCh38, 1-based): chrX:54,465,767, G>A on the plus strand (C>T on the coding strand, the complement: FGD1 is on the minus strand). VCF-style: chrX-54465767-G-A. GRCh37 (hg19) VCF-style: chrX-54492200-G-A.
Other names: short protein forms R476W.
Identifiers: ClinVar variation 2507060 (VCV002507060.2), dbSNP rs1922746096, ClinGen allele CA413244699.